The following is an entry in ClinVar:

NM_001002916.5(H2BW1):c.201C>G (p.Gly67=)

Gene: H2BW1 (H2B.W histone 1; minus strand). Cytogenetic location: Xq22.2.
Variant type: single nucleotide variant.
Coding change: c.201C>G on transcript NM_001002916.5 (MANE Select); coding-DNA position 201, C replaced by G.
Protein change: p.Gly67=; no amino-acid change (glycine 67 retained).
Molecular consequence: synonymous variant.
Genome position (GRCh38, 1-based): chrX:104,013,376, G>C on the plus strand (C>G on the coding strand, the complement: H2BW1 is on the minus strand). VCF-style: chrX-104013376-G-C. GRCh37 (hg19) VCF-style: chrX-103267948-G-C.
Identifiers: ClinVar variation 3044509 (VCV003044509.2), dbSNP rs149223854, ClinGen allele CA10479249.

ClinVar aggregate classification (germline): Likely benign (0 of 4 stars; one submission).

Conditions:
H2BW1-related disorder. Also called: H2BW1-related condition.

Allele frequency attached by ClinVar (database versions not stated): ExAC 0.00018; ESP Exome Variant Server 0.00038; gnomAD 0.00048; TOPMed 0.00059.

Submission:

PreventionGenetics, part of Exact Sciences
Classification: Likely benign for H2BW1-related condition. Last evaluated: 2019-08-14. Review status: no assertion criteria provided. Collection method: clinical testing. Allele origin: germline.
Comment: This variant is classified as likely benign based on ACMG/AMP sequence variant interpretation guidelines (Richards et al. 2015 PMID: 25741868, with internal and published modifications).